The following is an entry in ClinVar:

NM_001267550.2(TTN):c.95008C>T (p.Arg31670Ter)

Genes: TTN (titin; minus strand), TTN-AS1 (TTN antisense RNA 1; plus strand). Cytogenetic location: 2q31.2.
Variant type: single nucleotide variant.
Coding change: c.95008C>T on transcript NM_001267550.2 (MANE Select); coding-DNA position 95008, C replaced by T.
Protein change: p.Arg31670Ter; replaces arginine 31670 with a stop codon.
Molecular consequence: nonsense.
Genome position (GRCh38, 1-based): chr2:178,546,323, G>A on the plus strand (C>T on the coding strand, the complement: TTN is on the minus strand). VCF-style: chr2-178546323-G-A. GRCh37 (hg19) VCF-style: chr2-179411050-G-A.
Other names: c.90085C>T, p.Arg30029Ter (NM_001256850.1); c.67813C>T, p.Arg22605Ter (NM_003319.4); c.87304C>T, p.Arg29102Ter (NM_133378.4); c.68188C>T, p.Arg22730Ter (NM_133432.3); c.68389C>T, p.Arg22797Ter (NM_133437.4); c.95008C>T (NM_001267550.1); short protein forms R30029*, R31670*, R29102*, R22797*, R22605*, R22730*.
Identifiers: ClinVar variation 451733 (VCV000451733.21), dbSNP rs1322596650, ClinGen allele CA349467635.

ClinVar aggregate classification (germline): Pathogenic/Likely pathogenic. Review status: criteria provided, multiple submitters, no conflicts (2 of 4 stars). 10 submissions from 10 submitters: Pathogenic (5); Likely pathogenic (5). Last evaluated 2025-12-21.

Conditions:
Cardiovascular phenotype. Identifiers: MedGen CN230736.
TTN-related disorder. Also called: TTN-related disorders; TTN-related condition; TTN-related disease.
Dilated cardiomyopathy 1G (CMD1G). Identifiers: Orphanet 154, MedGen C1858763, MONDO:0011400, OMIM 604145.
Autosomal recessive limb-girdle muscular dystrophy type 2J (LGMDR10). Also called: Limb-girdle muscular dystrophy, type 2J; MUSCULAR DYSTROPHY, LIMB-GIRDLE, AUTOSOMAL RECESSIVE 10. Identifiers: Orphanet 140922, MedGen C1837342, MONDO:0012127, OMIM 608807.
Early-onset myopathy with fatal cardiomyopathy (CMYO5). Also called: CONGENITAL MYOPATHY 5 WITH CARDIOMYOPATHY; Salih Myopathy. Identifiers: Orphanet 289377, MedGen C2673677, MONDO:0012714, OMIM 611705. Disease mechanism: loss of function.
Tibial muscular dystrophy (TMD). Also called: Udd Distal Myopathy – Tibial Muscular Dystrophy; Tibial muscular dystrophy, tardive; UDD MYOPATHY. Identifiers: Orphanet 609, MedGen C1838244, MONDO:0010870, OMIM 600334.
Hypertrophic cardiomyopathy 9. Also called: Familial hypertrophic cardiomyopathy 9. Identifiers: MedGen C1861065, MONDO:0013412, OMIM 613765.
Myopathy, myofibrillar, 9, with early respiratory failure (MFM9). Also called: EDSTROM MYOPATHY; MYOPATHY, PROXIMAL, WITH EARLY RESPIRATORY MUSCLE INVOLVEMENT; Hereditary myopathy with early respiratory failure; Myopathy, distal, with early respiratory failure, autosomal dominant. Identifiers: Orphanet 178464, Orphanet 34521, MedGen C1863599, MONDO:0011362, OMIM 603689.
Cardiomyopathy (CMYO). Also called: Cardiomyopathies. Identifiers: Orphanet 167848, MedGen C0878544, MONDO:0004994, HP:0001638. Inheritance: Various modes of inheritance.

Allele frequency attached by ClinVar (database versions not stated): gnomAD exomes below 0.00001 and 0.00001; TOPMed below 0.00001.
gnomAD v4.1: 12 of 1,613,818 alleles (0.00074%); highest among the groups gnomAD compares: East Asian, 0.0022%; no homozygotes.

Submissions (10):

Labcorp Genetics (formerly Invitae), Labcorp
Classification: Likely pathogenic for Dilated cardiomyopathy 1G; Autosomal recessive limb-girdle muscular dystrophy type 2J. Last evaluated: 2025-12-21. Review status: criteria provided, single submitter. Criteria: Invitae Variant Classification Sherloc (09022015). Collection method: clinical testing. Allele origin: germline.
Comment: This sequence change creates a premature translational stop signal (p.Arg31670*) in the TTN gene. While this is not anticipated to result in nonsense mediated decay, it is expected to create a truncated TTN protein. This variant is present in population databases (no rsID available, gnomAD 0.0009%). This premature translational stop signal has been observed in individual(s) with clinical features of dilated cardiomyopathy (PMID: 31317183, 33996946, 34731015, 36396199). This variant is also known as c.67813C>T (p.R22605*). ClinVar contains an entry for this variant (Variation ID: 451733). This variant is located in the A band of TTN (PMID: 25589632). Truncating variants in this region are significantly overrepresented in patients affected with dilated cardiomyopathy (PMID: 25589632). Truncating variants in this region have also been reported in individuals affected with autosomal recessive centronuclear myopathy (PMID: 23975875). In summary, the currently available evidence indicates that the variant is pathogenic, but additional data are needed to prove that conclusively. Therefore, this variant has been classified as Likely Pathogenic.

PreventionGenetics, part of Exact Sciences
Classification: Pathogenic for TTN-related condition. Last evaluated: 2025-08-04. Review status: criteria provided, single submitter. Criteria: ACMG Guidelines, 2015. Collection method: clinical testing. Allele origin: germline.
Comment: The TTN c.95008C>T variant is predicted to result in premature protein termination (p.Arg31670*). This variant has been reported in individuals with dilated cardiomyopathy (see for example: described as p.Arg22605* in Table S1, Augusto et al. 2019. PubMed ID: 31317183; Table S2, Xiao et al. 2021. PubMed ID: 33996946). This variant is reported in 0.00089% of alleles in individuals of European (Non-Finnish) descent in gnomAD. This variant is located in the A-band region of the protein in which truncating TTN variants have been found more frequently in dilated cardiomyopathy patients than in controls (Herman et al. 2012. PubMed ID: 22335739). RNAseq studies from heart tissue indicate this exon is commonly included in TTN mRNA transcripts (PSI of 98%-100%, Roberts et al. 2015. PubMed ID: 25589632). TTN loss-of-function variants occurring in constitutively expressed exons (PSI > 90%) are more likely to be disease causing for TTN cardiac-related disorders regardless of band location (Roberts et al. 2015. PubMed ID: 25589632; Schafer et al. 2017. PubMed ID: 27869827; Akhtar et al. 2020. PubMed ID: 32964742). Many cases of recessive TTN-related myopathies in which the individual is compound heterozygous for two loss-of-function variants in TTN have also been reported (Oates et al. 2018. PubMed ID: 29691892; Ge et al. 2019. PubMed ID: 31053406; Rees et al. 2021. PubMed ID: 33449170). In summary, this variant is categorized as pathogenic. Of note, this variant is considered pathogenic for increased risk of TTN-related cardiac disorders, and also for autosomal recessive TTN-related congenital titinopathies.

Dasa
Classification: Pathogenic. Last evaluated: 2025-04-18. Review status: criteria provided, single submitter. Criteria: DASA Assertion Criteria. Collection method: clinical testing. Allele origin: germline.
Comment: NM_001267550.2(TTN):c.95008C>T (p.Arg31670*) introduces a premature termination codon predicted to result in loss of normal protein function. Loss-of-function is an established mechanism of disease for this gene. This variant has been recurrently observed in individuals with related phenotype (PMID: 33996946; PMID: 34731015; PMID: 36396199). The variant is present at low frequency in population datasets. Based on the available data, this variant is classified as pathogenic.

Ambry Genetics
Classification: Likely pathogenic for Cardiovascular phenotype. Last evaluated: 2024-09-18. Review status: criteria provided, single submitter. Criteria: Ambry Variant Classification Scheme 2023. Collection method: clinical testing. Allele origin: germline.
Comment: The p.R22605* variant (also known as c.67813C>T), located in coding exon 169 of the TTN gene, results from a C to T substitution at nucleotide position 67813. This changes the amino acid from an arginine to a stop codon within coding exon 169. This exon is located in the A-band region of the N2-B isoform of the titin protein and is constitutively expressed in TTN transcripts (percent spliced in or PSI 100%). This alteration has been reported in individuals with dilated cardiomyopathy (DCM) (Augusto JB et al. Eur Heart J Cardiovasc Imaging, 2020 Mar;21:326-336; McAfee Q et al. Sci Transl Med, 2021 Nov;13:eabd7287; Restrepo-C&oacute;rdoba MA et al. Rev Esp Cardiol (Engl Ed), 2024 Apr:[ePub ahead of print]). This variant is considered to be rare based on population cohorts in the Genome Aggregation Database (gnomAD). This alteration is expected to result in loss of function by premature protein truncation or nonsense-mediated mRNA decay. While truncating variants in TTN are present in 1-3% of the general population, truncating variants in the A-band are the most common cause of DCM (Herman DS et al. N. Engl. J. Med., 2012 Feb;366:619-28; Roberts AM et al. Sci Transl Med, 2015 Jan;7:270ra6). TTN truncating variants encoded in constitutive exons (PSI >90%) have been found to be significantly associated with DCM regardless of their position in titin (Schafer S et al. Nat. Genet., 2017 01;49:46-53). Based on the majority of available evidence to date, this variant is likely to be pathogenic.

Blueprint Genetics
Classification: Pathogenic for TTN-related disorders. Last evaluated: 2024-07-18. Review status: criteria provided, single submitter. Criteria: ACMG Guidelines, 2015. Collection method: clinical testing. Allele origin: germline. Affected: yes. Observed: 2 variant alleles.

3billion
Classification: Pathogenic for Dilated cardiomyopathy 1G. Last evaluated: 2024-01-12. Review status: criteria provided, single submitter. Criteria: ACMG Guidelines, 2015. Collection method: clinical testing. Allele origin: germline. Affected: yes.
Comment: The variant is observed at an extremely low frequency in the gnomAD v2.1.1 dataset (total allele frequency: <0.001%). Predicted Consequence/Location: Stop-gained (nonsense): predicted to result in a loss or disruption of normal protein function through nonsense-mediated decay (NMD) or protein truncation. Multiple pathogenic variants are reported downstream of the variant. The variant has been reported at least twice as pathogenic with clinical assertions and evidence for the classification (ClinVar ID: VCV000451733). Therefore, this variant is classified as Pathogenic according to the recommendation of ACMG/AMP guideline.

GeneDx
Classification: Pathogenic. Last evaluated: 2023-12-10. Review status: criteria provided, single submitter. Criteria: GeneDx Variant Classification Process June 2021. Collection method: clinical testing. Allele origin: germline. Affected: yes.
Comment: Nonsense variant predicted to result in protein truncation or nonsense mediated decay in a gene for which loss of function is a known mechanism of disease; Located in the A-band region of TTN in which the majority of loss of function variants have been associated with autosomal dominant titinopathies (PMID: 22335739); Not observed at significant frequency in large population cohorts (gnomAD); This variant is associated with the following publications: (PMID: 31317183, 34135346, 35177841, 22335739)

CHEO Genetics Diagnostic Laboratory, Children's Hospital of Eastern Ontario
Classification: Likely pathogenic for Cardiomyopathy. Last evaluated: 2021-09-14. Review status: criteria provided, single submitter. Criteria: ACMG Guidelines, 2015. Collection method: clinical testing. Allele origin: germline.

Revvity Omics, Revvity
Classification: Likely pathogenic. Last evaluated: 2021-04-16. Review status: criteria provided, single submitter. Criteria: ACMG Guidelines, 2015. Collection method: clinical testing. Allele origin: germline.

Juno Genomics, Hangzhou Juno Genomics, Inc
Classification: Likely pathogenic for Early-onset myopathy with fatal cardiomyopathy; Dilated cardiomyopathy 1G; Hypertrophic cardiomyopathy 9; Autosomal recessive limb-girdle muscular dystrophy type 2J; Myopathy, myofibrillar, 9, with early respiratory failure; Tibial muscular dystrophy. Review status: criteria provided, single submitter. Criteria: ACMG Guidelines, 2015. Collection method: clinical testing. Allele origin: germline.
Comment: Null variant in a gene where loss of function (LOF) is a known mechanism of disease.;Absent from controls (or at extremely low frequency if recessive) in Genome Aggregation Database.

Literature cited by the submitters: PubMed 31317183 (cited by Labcorp Genetics (formerly Invitae), Labcorp and Ambry Genetics); PubMed 33996946 (cited by Labcorp Genetics (formerly Invitae), Labcorp and Dasa); PubMed 34731015 (cited by 3 submitters); PubMed 36396199 (cited by Labcorp Genetics (formerly Invitae), Labcorp and Dasa); PubMed 25589632 (cited by Labcorp Genetics (formerly Invitae), Labcorp); PubMed 23975875 (cited by Labcorp Genetics (formerly Invitae), Labcorp); PubMed 38641168 (cited by Ambry Genetics).